The following is an entry in ClinVar:

ClinVar aggregate classification (germline): Pathogenic (1 of 4 stars; one submission).

Submission:

Labcorp Genetics (formerly Invitae), Labcorp
Classification: Pathogenic. Last evaluated: 2025-05-22. Review status: criteria provided, single submitter. Criteria: Invitae Variant Classification Sherloc (09022015). Collection method: clinical testing. Allele origin: germline.
Comment: This sequence change creates a premature translational stop signal (p.Val744Trpfs*3) in the CUL7 gene. It is expected to result in an absent or disrupted protein product. Loss-of-function variants in CUL7 are known to be pathogenic (PMID: 16142236, 17675530, 19225462). This variant is not present in population databases (gnomAD no frequency). This variant has not been reported in the literature in individuals affected with CUL7-related conditions. For these reasons, this variant has been classified as Pathogenic.

Literature cited by the submitters: PubMed 16142236; PubMed 17675530; PubMed 19225462.

NM_014780.5(CUL7):c.2230del (p.Val744fs)

Gene: CUL7 (cullin 7; minus strand). Cytogenetic location: 6p21.1.
Variant type: Deletion.
Coding change: c.2230del on transcript NM_014780.5 (MANE Select); coding-DNA position 2230, one base deleted (G; older notation c.2230delG).
Protein change: p.Val744fs; shifts the reading frame from valine 744.
Molecular consequence: frameshift variant.
Genome position (GRCh38, 1-based): chr6:43,047,047, C deleted on the plus strand (G on the coding strand, the reverse complement: CUL7 is on the minus strand). VCF-style (leftmost placement, unchanged base first): chr6-43047046-AC-A. GRCh37 (hg19) VCF-style: chr6-43014784-AC-A.
Other names: c.2326del, p.Val776fs (NM_001168370.2, NM_001374872.1); c.2230del, p.Val744fs (NM_001374873.1, NM_001374874.1); short protein forms V744fs, V776fs.
Identifiers: ClinVar variation 4712662 (VCV004712662.1).